The following is an entry in ClinVar:

NM_006231.4(POLE):c.1839_1840del (p.Pro614fs)

Gene: POLE (DNA polymerase epsilon, catalytic subunit; minus strand). Cytogenetic location: 12q24.33.
Variant type: Deletion.
Coding change: c.1839_1840del on transcript NM_006231.4 (MANE Select); coding-DNA positions 1839 to 1840, 2 bases deleted (TC; older notation c.1839_1840delTC).
Protein change: p.Pro614fs; shifts the reading frame from proline 614.
Molecular consequence: frameshift variant.
Genome position (GRCh38, 1-based): chr12:132,668,894-132,668,895, GA deleted on the plus strand (TC on the coding strand, the reverse complement: POLE is on the minus strand). VCF-style (leftmost placement, unchanged base first): chr12-132668893-GGA-G. GRCh37 (hg19) VCF-style: chr12-133245479-GGA-G.
Other names: short protein forms P614fs.
Identifiers: ClinVar variation 2831817 (VCV002831817.3), dbSNP rs2542104965, ClinGen allele CA2739277378.
Genomic context (GRCh38, chr12:132,668,893, plus strand): 5'-ATGTTGGGGTACATGGCCCCCACGTCCAGGTGGTAGATGAGTGGACACTCGATGCGGCTG[GGA>G]ACGTCCTTCAGGGAGGCAAGCTTGCTCTTAATCTCATCACACACCTGCAGAGAAAGCGAA-3'

ClinVar aggregate classification (germline): Pathogenic (1 of 4 stars; one submission).

Submission:

Labcorp Genetics (formerly Invitae), Labcorp
Classification: Pathogenic. Last evaluated: 2023-07-12. Review status: criteria provided, single submitter. Criteria: Invitae Variant Classification Sherloc (09022015). Collection method: clinical testing. Allele origin: germline.
Comment: For these reasons, this variant has been classified as Pathogenic. This variant has not been reported in the literature in individuals affected with POLE-related conditions. This variant is not present in population databases (gnomAD no frequency). This sequence change creates a premature translational stop signal (p.Pro614Glnfs*41) in the POLE gene. It is expected to result in an absent or disrupted protein product. Loss-of-function variants in POLE are known to be pathogenic (PMID: 23230001, 25948378, 30503519).

Literature cited by the submitters: PubMed 23230001; PubMed 25948378; PubMed 30503519.